The following is an entry in ClinVar:

NM_000277.3(PAH):c.611A>G (p.Tyr204Cys)

Gene: PAH (phenylalanine hydroxylase; minus strand). Cytogenetic location: 12q23.2.
Variant type: single nucleotide variant.
Coding change: c.611A>G on transcript NM_000277.3 (MANE Select); coding-DNA position 611, A replaced by G.
Protein change: p.Tyr204Cys; replaces tyrosine 204 with cysteine.
Molecular consequence: missense variant.
Genome position (GRCh38, 1-based): chr12:102,855,231, T>C on the plus strand (A>G on the coding strand, the complement: PAH is on the minus strand). VCF-style: chr12-102855231-T-C. GRCh37 (hg19) VCF-style: chr12-103249009-T-C.
Other names: c.611A>G, p.Tyr204Cys (NM_001354304.2); c.611A>G (NM_000277.2); short protein forms Y204C.
Identifiers: ClinVar variation 590 (VCV000000590.107), dbSNP rs62514927, ClinGen allele CA229653.

ClinVar aggregate classification (germline): Pathogenic. Review status: reviewed by expert panel (3 of 4 stars). 11 submissions from 11 submitters: Pathogenic (1). 10 of the submissions do not count toward it. Last evaluated 2021-03-26.

Conditions:
Phenylketonuria (PKU). Also called: FOLLING DISEASE; Phenylketonuria (PKU); OLIGOPHRENIA PHENYLPYRUVICA; Phenylketonurias. Identifiers: Orphanet 716, MedGen C0031485, MONDO:0009861, OMIM 261600. Disease mechanism: loss of function.

Allele frequency attached by ClinVar (database versions not stated): gnomAD 0.00001; ExAC 0.00002; gnomAD exomes 0.00001 and 0.00002; TOPMed 0.00003.
gnomAD v4.1: 24 of 1,613,986 alleles (0.0015%); highest among the groups gnomAD compares: East Asian, 0.02%; no homozygotes.

Submissions (11):

ClinGen PAH Variant Curation Expert Panel
Classification: Pathogenic for Phenylketonuria. Last evaluated: 2021-03-26. Review status: reviewed by expert panel. Criteria: ClinGen PAH ACMG Specifications v1. Collection method: curation. Allele origin: germline. Inheritance: Autosomal recessive inheritance.
Comment: The c.611A>G (p.Tyr204Cys) variant in PAH has been reported in multiple individuals with Classic PKU and MHP (BH4 deficiency excluded). (PMID: 15503242). This variant has a MAF (0.00016) in gnomAD. This variant creates a fully active, novel 5 Ì donor splice site which results in an aberrantly spliced mRNA with a 96-nt deletion at the 3 Ì-end of exon 6 PMID: 8990021 (aka Ex6-96A>G). Multiple lines of computational evidence support a deleterious effect. This variant was detected in trans with multiple pathogenic variants including: p.R111* (2); c.442-1G>A; p.R158W; p.L255S; p.P281L; p.K363Nfs*37; p.V399V; p.R408W; p.R241C (2); p.R243Q; p.R261Q (2); p.S349A; p.R413P; p.A434D (2) (PMID: 26322415). In summary, this variant meets criteria to be classified as pathogenic for PAH. PAH-specific ACMG/AMP criteria applied: PM2, PP4_Moderate, PM3_very-strong, PP3.

Labcorp Genetics (formerly Invitae), Labcorp
Classification: Pathogenic for Phenylketonuria. Last evaluated: 2025-05-03. Review status: criteria provided, single submitter. Criteria: Invitae Variant Classification Sherloc (09022015). Collection method: clinical testing. Allele origin: germline. Not counted in ClinVar's aggregate classification.
Comment: This sequence change replaces tyrosine, which is neutral and polar, with cysteine, which is neutral and slightly polar, at codon 204 of the PAH protein (p.Tyr204Cys). RNA analysis indicates that this missense change induces altered splicing and likely results in the loss of 32 amino acid residue(s), but is expected to preserve the integrity of the reading-frame. This variant is present in population databases (rs62514927, gnomAD 0.02%). This missense change has been observed in individual(s) with phenylketonuria (PMID: 2589491, 15503242, 18985011). In at least one individual the data is consistent with being in trans (on the opposite chromosome) from a pathogenic variant. ClinVar contains an entry for this variant (Variation ID: 590). Invitae Evidence Modeling of protein sequence and biophysical properties (such as structural, functional, and spatial information, amino acid conservation, physicochemical variation, residue mobility, and thermodynamic stability) indicates that this missense variant is not expected to disrupt PAH protein function with a negative predictive value of 80%. Studies have shown that this missense change results in the activation of a cryptic splice site in exon 6 (PMID: 8990021). For these reasons, this variant has been classified as Pathogenic.

Natera, Inc.
Classification: Pathogenic for Phenylketonuria. Last evaluated: 2024-02-26. Review status: criteria provided, single submitter. Criteria: Natera Variant Classification Schema (03/2026). Collection method: clinical testing. Allele origin: germline. Not counted in ClinVar's aggregate classification.
Comment: The c.611A>G variant in PAH is a missense variant predicted to cause substitution of tyrosine to cysteine at amino acid 204. This variant is rare in the general population with a frequency below the threshold expected for the associated phenotype(s). This variant has been observed in one or more individuals affected with the associated recessive disease, as either homozygous or compound heterozygous with a second variant (PMID: 15503242). Given the available evidence, this variant is classified as Pathogenic.

Women's Health and Genetics/Laboratory Corporation of America, LabCorp
Classification: Pathogenic for Phenylketonuria. Last evaluated: 2018-12-13. Review status: criteria provided, single submitter. Criteria: LabCorp Variant Classification Summary - May 2015. Collection method: clinical testing. Allele origin: germline. Not counted in ClinVar's aggregate classification.
Comment: Variant summary: PAH c.611A>G (p.Tyr204Cys) results in a non-conservative amino acid change located in the Aromatic amino acid hydroxylase, C-terminal domain of the encoded protein sequence. Five of five in-silico tools predict a damaging effect of the variant on protein function. Several computational tools predict a significant impact on normal splicing: Four predict the variant creates a 5' donor site. One publication reports experimental evidence showing that this variant affects mRNA splicing resulting in a 32-amino acid deletion in the core region of the PAH enzyme (Ellingsen_1997). The variant allele was found at a frequency of 1.2e-05 in 246108 control chromosomes (gnomAD). The variant, c.611A>G, has been reported in the literature in multiple individuals affected with Phenylalanine Hydroxylase Deficiency (Phenylketonuria) (Tao_2015, Liang_2014, Song_2005, Ellingsen_1997). These data indicate that the variant is very likely to be associated with disease. A ClinVar submission from a clinical diagnostic laboratory (evaluation after 2014) cites the variant as pathogenic. Based on the evidence outlined above, the variant was classified as pathogenic.

Fulgent Genetics
Classification: Pathogenic for Phenylketonuria. Last evaluated: 2018-10-31. Review status: criteria provided, single submitter. Criteria: ACMG Guidelines, 2015. Collection method: clinical testing. Allele origin: unknown. Not counted in ClinVar's aggregate classification.

GeneDx
Classification: Pathogenic. Last evaluated: 2017-07-20. Review status: criteria provided, single submitter. Criteria: GeneDx Variant Classification (06012015). Collection method: clinical testing. Allele origin: germline. Affected: yes. Not counted in ClinVar's aggregate classification.
Comment: The c.611 A>G variant in the PAH is a common pathogenic variant in Chinese patients with phenylketonuria (PKU) and is associated with a classic PKU phenotype (Lee et al., 2004; Yu et al., 2008; Chen et al., 2015). Functional analysis of c.611 A>G found that results in abnormal splicing and it is classified as a not responsive to tetrahydrobiopterin (BH4) therapy (Ellingsen et al., 1997; Sarkissian et al., 2012))

Juno Genomics, Hangzhou Juno Genomics, Inc
Classification: Pathogenic for Phenylketonuria. Review status: criteria provided, single submitter. Criteria: ACMG Guidelines, 2015. Collection method: clinical testing. Allele origin: germline. Not counted in ClinVar's aggregate classification.
Comment: For recessive disorders, detected in trans with a pathogenic variant.;Patient's phenotype or family history is highly specific for a disease with a single genetic etiology.;Multiple lines of computational evidence support a deleterious effect on the gene or gene product.

Department of Reproductive Genetics, International Peace Maternity and Child Health Hospital, Shanghai Jiao Tong University School of Medicine
Classification: Pathogenic for Phenylketonuria. Last evaluated: 2025-05-01. Review status: no assertion criteria provided. Collection method: clinical testing. Allele origin: inherited. Affected: yes. Not counted in ClinVar's aggregate classification.

Counsyl
Classification: Pathogenic for Phenylketonuria. Last evaluated: 2018-10-22. Review status: no assertion criteria provided. Collection method: clinical testing. Allele origin: unknown. Not counted in ClinVar's aggregate classification.

OMIM
Classification: Pathogenic for PHENYLKETONURIA. Last evaluated: 1992-05-01. Review status: no assertion criteria provided. Collection method: literature only. Allele origin: germline. Not counted in ClinVar's aggregate classification.

DeBelle Laboratory for Biochemical Genetics, MUHC/MCH RESEARCH INSTITUTE
No classification provided. Review status: no classification provided. Collection method: not provided. Allele origin: not provided. Not counted in ClinVar's aggregate classification.

Literature cited by the submitters: PubMed 2589491 (cited by Labcorp Genetics (formerly Invitae), Labcorp); PubMed 15503242 (cited by 3 submitters); PubMed 18985011 (cited by Labcorp Genetics (formerly Invitae), Labcorp); PubMed 8990021 (cited by 3 submitters); PubMed 16256386 (cited by Women's Health and Genetics/Laboratory Corporation of America, LabCorp); PubMed 26322415 (cited by Women's Health and Genetics/Laboratory Corporation of America, LabCorp); PubMed 24401910 (cited by Women's Health and Genetics/Laboratory Corporation of America, LabCorp); PubMed 8051931 (cited by Counsyl); PubMed 2071149 (cited by Counsyl); PubMed 9048935 (cited by Counsyl); PubMed 7844887 (cited by Counsyl); PubMed 23430918 (cited by Counsyl); PubMed 15793771 (cited by Counsyl); PubMed 19147918 (cited by Counsyl); PubMed 9949232 (cited by Counsyl); PubMed 1349576 (cited by OMIM).